The following is an entry in ClinVar:

NM_001018005.2(TPM1):c.82G>A (p.Asp28Asn)

Gene: TPM1 (tropomyosin 1; plus strand). Cytogenetic location: 15q22.2.
Variant type: single nucleotide variant.
Coding change: c.82G>A on transcript NM_001018005.2 (MANE Select); coding-DNA position 82, G replaced by A.
Protein change: p.Asp28Asn; replaces aspartic acid 28 with asparagine.
Molecular consequence: missense variant.
Genome position (GRCh38, 1-based): chr15:63,042,911, G>A. VCF-style: chr15-63042911-G-A. GRCh37 (hg19) VCF-style: chr15-63335110-G-A.
Other names: p.D28N:GAC>AAC; c.82G>A, p.Asp28Asn (NM_000366.6, NM_001018004.2, NM_001018006.2 and 7 more transcripts); short protein forms D28N.
Identifiers: ClinVar variation 43443 (VCV000043443.28), dbSNP rs397516391, ClinGen allele CA018380.

ClinVar aggregate classification (germline): Uncertain significance. Review status: criteria provided, multiple submitters, no conflicts (2 of 4 stars). 11 submissions from 11 submitters: Uncertain significance (9). 2 of the submissions do not count toward it. Last evaluated 2024-09-24.

Conditions:
Cardiovascular phenotype. Identifiers: MedGen CN230736.
Cardiomyopathy (CMYO). Also called: Cardiomyopathies. Identifiers: Orphanet 167848, MedGen C0878544, MONDO:0004994, HP:0001638. Inheritance: Various modes of inheritance.
Hypertrophic cardiomyopathy. Also called: HYPERTROPHIC MYOCARDIOPATHY. Identifiers: Orphanet 217569, MedGen C0007194, MeSH D002312, MONDO:0005045, HP:0001639.

Allele frequency attached by ClinVar (database versions not stated): gnomAD exomes 0.00001.
gnomAD v4.1: 5 of 1,609,372 alleles (0.00031%); highest among the groups gnomAD compares: South Asian, 0.0033%; no homozygotes.

Submissions (11):

Blueprint Genetics
Classification: Uncertain significance. Last evaluated: 2024-09-24. Review status: criteria provided, single submitter. Criteria: ACMG Guidelines, 2015. Collection method: clinical testing. Allele origin: germline.

Labcorp Genetics (formerly Invitae), Labcorp
Classification: Uncertain significance for Hypertrophic cardiomyopathy. Last evaluated: 2024-07-31. Review status: criteria provided, single submitter. Criteria: Invitae Variant Classification Sherloc (09022015). Collection method: clinical testing. Allele origin: germline.
Comment: This sequence change replaces aspartic acid, which is acidic and polar, with asparagine, which is neutral and polar, at codon 28 of the TPM1 protein (p.Asp28Asn). The frequency data for this variant in the population databases is considered unreliable, as metrics indicate poor data quality at this position in the gnomAD database. This missense change has been observed in individual(s) with hypertrophic cardiomyopathy (PMID: 24793961, 27532257, 31513939, 37652022). ClinVar contains an entry for this variant (Variation ID: 43443). An algorithm developed to predict the effect of missense changes on protein structure and function (PolyPhen-2) suggests that this variant is likely to be disruptive. In summary, the available evidence is currently insufficient to determine the role of this variant in disease. Therefore, it has been classified as a Variant of Uncertain Significance.

All of Us Research Program, National Institutes of Health
Classification: Uncertain significance for Hypertrophic cardiomyopathy. Last evaluated: 2023-08-15. Review status: criteria provided, single submitter. Criteria: ACMG Guidelines, 2015. Collection method: clinical testing. Allele origin: germline. Inheritance: Autosomal dominant inheritance. Observed: 1 variant allele, 1 heterozygote.
Comment: This missense variant replaces aspartic acid with asparagine at codon 28 of the TPM1 protein. Computational prediction suggests that this variant may not impact protein structure and function (internally defined REVEL score threshold <= 0.5, PMID: 27666373). Splice site prediction tools suggest that this variant may not impact RNA splicing. To our knowledge, functional studies have not been performed for this variant. This variant has been reported in a few individuals affected with hypertrophic cardiomyopathy (PMID: 24793961, 25351510, 27532257). This variant has been identified in 2/238332 chromosomes in the general population by the Genome Aggregation Database (gnomAD). The available evidence is insufficient to determine the role of this variant in disease conclusively. Therefore, this variant is classified as a Variant of Uncertain Significance.

This study involves interpretation of variants in research participants for the purpose of population health screening. Participant phenotype was not available at the time of variant classification. Additional details can be found in publication PMID: 35346344, PMCID: PMC8962531

Color Diagnostics, LLC DBA Color Health
Classification: Uncertain significance for Cardiomyopathy. Last evaluated: 2023-07-24. Review status: criteria provided, single submitter. Criteria: ACMG Guidelines, 2015. Collection method: clinical testing. Allele origin: germline.
Comment: This missense variant replaces aspartic acid with asparagine at codon 28 of the TPM1 protein. Computational prediction suggests that this variant may not impact protein structure and function (internally defined REVEL score threshold <= 0.5, PMID: 27666373). To our knowledge, functional studies have not been performed for this variant. This variant has been reported in individuals affected with hypertrophic cardiomyopathy (PMID: 24793961, 25351510, 27532257, 31513939). This variant has been identified in 2/238332 chromosomes in the general population by the Genome Aggregation Database (gnomAD). The available evidence is insufficient to determine the role of this variant in disease conclusively. Therefore, this variant is classified as a Variant of Uncertain Significance.

Ambry Genetics
Classification: Uncertain significance for Cardiovascular phenotype. Last evaluated: 2021-12-06. Review status: criteria provided, single submitter. Criteria: Ambry Variant Classification Scheme 2023. Collection method: clinical testing. Allele origin: germline.

CHEO Genetics Diagnostic Laboratory, Children's Hospital of Eastern Ontario
Classification: Uncertain significance for Cardiomyopathy. Last evaluated: 2019-09-23. Review status: criteria provided, single submitter. Criteria: ACMG Guidelines, 2015. Collection method: clinical testing. Allele origin: germline. Study: Canadian Open Genetics Repository.

GeneDx
Classification: Uncertain significance. Last evaluated: 2019-01-09. Review status: criteria provided, single submitter. Criteria: GeneDx Variant Classification (06012015). Collection method: clinical testing. Allele origin: germline. Affected: yes.
Comment: The Asp28Asn variant in the TPM1 gene has not been reported as a disease-causing mutation or as a benign polymorphism to our knowledge. Asp28Asn results in a semi-conservative amino acid substitution of a negatively charged Aspartic acid with a neutral, polar Asparagine at a position that is conserved across species. In silico analysis predicts Asp28Asn is possibly damaging to the protein structure/function. Mutations in nearby codons (Ala22Thr, Lys37Glu, Glu40Lys) have been reported in association with cardiomyopathy, supporting the functional importance of this region of the protein. The NHLBI ESP Exome Variant Server reports Asp28Asn was not observed in approximately 6,500 samples from individuals of European and African American backgrounds, indicating it is not a common benign variant in these populations. With the clinical and molecular information available at this time, we cannot definitively determine if Asp28Asn is a disease-causing mutation or a rare benign variant. The variant is found in HCM panel(s).

Center for Human Genetics, University of Leuven
Classification: Uncertain significance for Hypertrophic cardiomyopathy. Last evaluated: 2018-10-31. Review status: criteria provided, single submitter. Criteria: ACMG Guidelines, 2015. Collection method: clinical testing. Allele origin: germline. Affected: yes.

Laboratory for Molecular Medicine, Mass General Brigham Personalized Medicine
Classification: Uncertain significance. Last evaluated: 2017-09-21. Review status: criteria provided, single submitter. Criteria: LMM Criteria. Collection method: clinical testing. Allele origin: germline. Observed: 2 variant alleles.
Comment: proposed classification - variant undergoing re-assessment, contact laboratory

Clinical Genetics DNA and cytogenetics Diagnostics Lab, Erasmus MC, Erasmus Medical Center
Classification: Uncertain significance. Review status: no assertion criteria provided. Collection method: clinical testing. Allele origin: germline. Affected: yes. Study: VKGL Data-share Consensus. Not counted in ClinVar's aggregate classification.

Diagnostic Laboratory, Department of Genetics, University Medical Center Groningen
Classification: Uncertain significance. Review status: no assertion criteria provided. Collection method: clinical testing. Allele origin: germline. Affected: yes. Study: VKGL Data-share Consensus. Not counted in ClinVar's aggregate classification.

Literature cited by the submitters: PubMed 24793961 (cited by 4 submitters); PubMed 27532257 (cited by 3 submitters); PubMed 31513939 (cited by Labcorp Genetics (formerly Invitae), Labcorp and Color Diagnostics, LLC DBA Color Health); PubMed 37652022 (cited by Labcorp Genetics (formerly Invitae), Labcorp); PubMed 25351510 (cited by All of Us Research Program, National Institutes of Health and Color Diagnostics, LLC DBA Color Health).